The following is an entry in ClinVar:

NM_198578.4(LRRK2):c.3389A>T (p.Glu1130Val)

Gene: LRRK2 (leucine rich repeat kinase 2; plus strand). Cytogenetic location: 12q12.
Variant type: single nucleotide variant.
Coding change: c.3389A>T on transcript NM_198578.4 (MANE Select); coding-DNA position 3389, A replaced by T.
Protein change: p.Glu1130Val; replaces glutamic acid 1130 with valine.
Molecular consequence: missense variant.
Genome position (GRCh38, 1-based): chr12:40,299,150, A>T. VCF-style: chr12-40299150-A-T. GRCh37 (hg19) VCF-style: chr12-40692952-A-T.
Other names: short protein forms E1130V.
Identifiers: ClinVar variation 2587292 (VCV002587292.2), dbSNP rs1944524274, ClinGen allele CA384415596.
Genomic context (GRCh38, chr12:40,299,150, plus strand): 5'-TCTTGTCTCTTGTGACTAGAAATAAAATATCAGGGATATGCTCCCCCTTGAGACTGAAGG[A>T]ACTGAAGATTTTAAACCTTAGTAAGAACCACATTTCATCCCTATCAGAGAACTTTCTTGA-3'
Protein context (NP_940980.4, residues 1120-1140): SGICSPLRLK[Glu1130Val]LKILNLSKNH

ClinVar aggregate classification (germline): Uncertain significance (1 of 4 stars; one submission).

Conditions:
Inborn genetic diseases. Identifiers: MedGen C0950123, MeSH D030342.

Submission:

Ambry Genetics
Classification: Uncertain significance for Inborn genetic diseases. Last evaluated: 2023-08-29. Review status: criteria provided, single submitter. Criteria: Ambry Variant Classification Scheme 2023. Collection method: clinical testing. Allele origin: germline.
Comment: The p.E1130V variant (also known as c.3389A>T), located in coding exon 25 of the LRRK2 gene, results from an A to T substitution at nucleotide position 3389. The glutamic acid at codon 1130 is replaced by valine, an amino acid with dissimilar properties. This amino acid position is conserved. In addition, the in silico prediction for this alteration is inconclusive. Since supporting evidence is limited at this time, the clinical significance of this alteration remains unclear.